The following is an entry in ClinVar:

ClinVar aggregate classification (germline): Pathogenic/Likely pathogenic. Review status: criteria provided, multiple submitters, no conflicts (2 of 4 stars). 3 submissions from 3 submitters: Pathogenic (1); Likely pathogenic (1). 1 of the submissions does not count toward it. Last evaluated 2024-05-23.

Conditions:
Hereditary hemochromatosis (HFE). Identifiers: MedGen C0392514, MONDO:0006507. Disease mechanism: loss of function.
Hemochromatosis type 2B (HFE2B). Also called: HAMP-Related Juvenile Hemochromatosis; Juvenile-Onset Hemochromatosis. Identifiers: Orphanet 79230, MedGen C1865616, MONDO:0013220, OMIM 613313.

Allele frequency attached by ClinVar (database versions not stated): gnomAD 0.00001; gnomAD exomes below 0.00001; TOPMed below 0.00001.
gnomAD v4.1: 3 of 1,597,270 alleles (0.00019%); highest among the groups gnomAD compares: Admixed American, 0.0033%; no homozygotes.

Submissions (3):

Fulgent Genetics
Classification: Likely pathogenic for Hemochromatosis type 2B. Last evaluated: 2024-05-23. Review status: criteria provided, single submitter. Criteria: ACMG Guidelines, 2015. Collection method: clinical testing. Allele origin: germline.

Labcorp Genetics (formerly Invitae), Labcorp
Classification: Pathogenic for Hereditary hemochromatosis. Last evaluated: 2023-10-04. Review status: criteria provided, single submitter. Criteria: Invitae Variant Classification Sherloc (09022015). Collection method: clinical testing. Allele origin: germline.
Comment: This variant occurs in a non-coding region of the HAMP gene. It does not change the encoded amino acid sequence of the HAMP protein. This variant is present in population databases (no rsID available, gnomAD 0.1%). This variant has been observed in individuals with hereditary hemochromatosis (PMID: 15198949, 27007796). It has also been observed to segregate with disease in related individuals. This variant is also known as +14G>A. ClinVar contains an entry for this variant (Variation ID: 4287). Studies have shown that this variant alters HAMP gene expression (PMID: 15198949). For these reasons, this variant has been classified as Pathogenic.

OMIM
Classification: Pathogenic for HEMOCHROMATOSIS, TYPE 2B. Last evaluated: 2004-10-01. Review status: no assertion criteria provided. Collection method: literature only. Allele origin: germline. Not counted in ClinVar's aggregate classification.

Literature cited by the submitters: PubMed 15198949 (cited by Labcorp Genetics (formerly Invitae), Labcorp and OMIM); PubMed 27007796 (cited by Labcorp Genetics (formerly Invitae), Labcorp).

NM_021175.4(HAMP):c.-25G>A

Gene: HAMP (hepcidin antimicrobial peptide; plus strand). Cytogenetic location: 19q13.12.
Variant type: single nucleotide variant.
Coding change: c.-25G>A on transcript NM_021175.4 (MANE Select); 25 bases upstream of the start codon, G replaced by A.
Molecular consequence: 5 prime UTR variant.
Genome position (GRCh38, 1-based): chr19:35,282,553, G>A. VCF-style: chr19-35282553-G-A. GRCh37 (hg19) VCF-style: chr19-35773456-G-A.
Other names: +14G-A, 5-PRIME UTR.
Identifiers: ClinVar variation 4287 (VCV000004287.5), dbSNP rs944843686, ClinGen allele CA307738003.